The following is an entry in ClinVar:

ClinVar aggregate classification (germline): Uncertain significance (1 of 4 stars; one submission).

Allele frequency attached by ClinVar (database versions not stated): gnomAD exomes 0.00001; TOPMed below 0.00001.
gnomAD v4.1: 7 of 1,610,986 alleles (0.00043%); highest among the groups gnomAD compares: Non-Finnish European, 0.00051%; no homozygotes.

Submission:

Labcorp Genetics (formerly Invitae), Labcorp
Classification: Uncertain significance. Last evaluated: 2023-06-06. Review status: criteria provided, single submitter. Criteria: Invitae Variant Classification Sherloc (09022015). Collection method: clinical testing. Allele origin: germline.
Comment: This sequence change replaces lysine, which is basic and polar, with glutamic acid, which is acidic and polar, at codon 538 of the SUCO protein (p.Lys538Glu). This variant is not present in population databases (gnomAD no frequency). This variant has not been reported in the literature in individuals affected with SUCO-related conditions. ClinVar contains an entry for this variant (Variation ID: 2075902). An algorithm developed to predict the effect of missense changes on protein structure and function (PolyPhen-2) suggests that this variant is likely to be tolerated. In summary, the available evidence is currently insufficient to determine the role of this variant in disease. Therefore, it has been classified as a Variant of Uncertain Significance.

NM_014283.5(SUCO):c.1612A>G (p.Lys538Glu)

Gene: SUCO (SUN domain containing ossification factor; plus strand). Cytogenetic location: 1q24.3.
Variant type: single nucleotide variant.
Coding change: c.1612A>G on transcript NM_014283.5 (MANE Select); coding-DNA position 1612, A replaced by G.
Protein change: p.Lys538Glu; replaces lysine 538 with glutamic acid.
Molecular consequence: missense variant. On other transcripts: intron variant (1).
Genome position (GRCh38, 1-based): chr1:172,585,902, A>G. VCF-style: chr1-172585902-A-G. GRCh37 (hg19) VCF-style: chr1-172555042-A-G.
Other names: c.1501A>G, p.Lys501Glu (NM_001282750.2); c.2065A>G, p.Lys689Glu (NM_016227.4); c.-31-2858A>G (NM_001282751.2); short protein forms K501E, K538E, K689E.
Identifiers: ClinVar variation 2075902 (VCV002075902.4), dbSNP rs1656203005, ClinGen allele CA343740387.